The following is an entry in ClinVar:

NC_000022.11:g.40346482C>T

Gene: ADSL (adenylosuccinate lyase; plus strand). Cytogenetic location: 22q13.1.
Variant type: single nucleotide variant.
Genome position: GRCh38 VCF-style: chr22-40346482-C-T. GRCh37 (hg19) VCF-style: chr22-40742486-C-T.
Identifiers: ClinVar variation 2141589 (VCV002141589.5), dbSNP rs1052534023, ClinGen allele CA324446957.

ClinVar aggregate classification (germline): Uncertain significance (1 of 4 stars; one submission).

Conditions:
Adenylosuccinate lyase deficiency (ADSLD). Also called: ADSL DEFICIENCY. Identifiers: Orphanet 46, MedGen C0268126, MONDO:0007068, OMIM 103050.

Allele frequency attached by ClinVar (database versions not stated): gnomAD 0.00001; gnomAD exomes 0.00001; TOPMed 0.00001.

Submission:

Labcorp Genetics (formerly Invitae), Labcorp
Classification: Uncertain significance for Adenylosuccinate lyase deficiency. Last evaluated: 2025-07-07. Review status: criteria provided, single submitter. Criteria: Invitae Variant Classification Sherloc (09022015). Collection method: clinical testing. Allele origin: germline.
Comment: This variant occurs in a non-coding region of the ADSL gene. It does not change the encoded amino acid sequence of the ADSL protein. This variant is not present in population databases (gnomAD no frequency). This variant has not been reported in the literature in individuals affected with ADSL-related conditions. Experimental studies and prediction algorithms are not available or were not evaluated, and the functional significance of this variant is currently unknown. In summary, the available evidence is currently insufficient to determine the role of this variant in disease. Therefore, it has been classified as a Variant of Uncertain Significance.